The following is an entry in ClinVar:

ClinVar aggregate classification (germline): Uncertain significance (1 of 4 stars; one submission).

Conditions:
Combined immunodeficiency due to LRBA deficiency. Also called: Common variable immunodeficiency 8, with autoimmunity. Identifiers: Orphanet 445018, MedGen C3553512, MONDO:0013863, OMIM 614700.

Allele frequency attached by ClinVar (database versions not stated): gnomAD exomes 0.00002; ExAC 0.00003.
gnomAD v4.1: 23 of 1,614,184 alleles (0.0014%); highest among the groups gnomAD compares: South Asian, 0.023%; no homozygotes.

Submission:

Labcorp Genetics (formerly Invitae), Labcorp
Classification: Uncertain significance for Combined immunodeficiency due to LRBA deficiency. Last evaluated: 2022-07-19. Review status: criteria provided, single submitter. Criteria: Invitae Variant Classification Sherloc (09022015). Collection method: clinical testing. Allele origin: germline.
Comment: This sequence change replaces aspartic acid, which is acidic and polar, with asparagine, which is neutral and polar, at codon 2799 of the LRBA protein (p.Asp2799Asn). In summary, the available evidence is currently insufficient to determine the role of this variant in disease. Therefore, it has been classified as a Variant of Uncertain Significance. Algorithms developed to predict the effect of missense changes on protein structure and function are either unavailable or do not agree on the potential impact of this missense change (SIFT: "Tolerated"; PolyPhen-2: "Probably Damaging"; Align-GVGD: "Class C0"). This variant has not been reported in the literature in individuals affected with LRBA-related conditions. This variant is present in population databases (rs780858983, gnomAD 0.03%).

NM_001364905.1(LRBA):c.8362G>A (p.Asp2788Asn)

Gene: LRBA (LPS responsive beige-like anchor protein; minus strand). Cytogenetic location: 4q31.3.
Variant type: single nucleotide variant.
Coding change: c.8362G>A on transcript NM_001364905.1 (MANE Select); coding-DNA position 8362, G replaced by A.
Protein change: p.Asp2788Asn; replaces aspartic acid 2788 with asparagine.
Molecular consequence: missense variant.
Genome position (GRCh38, 1-based): chr4:150,277,959, C>T on the plus strand (G>A on the coding strand, the complement: LRBA is on the minus strand). VCF-style: chr4-150277959-C-T. GRCh37 (hg19) VCF-style: chr4-151199111-C-T.
Other names: c.8359G>A, p.Asp2787Asn (NM_001199282.3); c.8377G>A, p.Asp2793Asn (NM_001367550.1); c.8395G>A, p.Asp2799Asn (NM_006726.5); short protein forms D2787N, D2793N, D2799N, D2788N.
Identifiers: ClinVar variation 1939435 (VCV001939435.5), dbSNP rs780858983, ClinGen allele CA3101364.